The following is an entry in ClinVar:

NM_000397.4(CYBB):c.898-2A>C

Gene: CYBB (cytochrome b-245 beta chain; plus strand). Cytogenetic location: Xp11.4.
Variant type: single nucleotide variant.
Coding change: c.898-2A>C on transcript NM_000397.4 (MANE Select); the canonical splice acceptor site of the intron before coding-DNA position 898, A replaced by C.
Molecular consequence: splice acceptor variant.
Genome position (GRCh38, 1-based): chrX:37,803,875, A>C. VCF-style: chrX-37803875-A-C. GRCh37 (hg19) VCF-style: chrX-37663128-A-C.
Identifiers: ClinVar variation 373734 (VCV000373734.2), dbSNP rs1057518579, ClinGen allele CA16043266.

ClinVar aggregate classification (germline): Pathogenic (1 of 4 stars; one submission).

Submission:

GeneDx
Classification: Pathogenic. Last evaluated: 2016-11-29. Review status: criteria provided, single submitter. Criteria: GeneDx Variant Classification (06012015). Collection method: clinical testing. Allele origin: germline. Affected: yes.
Comment: The c.898-2 A>C splice site variant in the CYBB gene destroys the canonical splice acceptor site in intron 8. It is predicted to cause abnormal gene splicing, either leading to an abnormal message that is subject to nonsense-mediated mRNA decay, or to an abnormal protein product if the message is used for protein translation. The variant was not observed in approximately 6,500 individuals of European and African American ancestry in the NHLBI Exome Sequencing Project, indicating it is not a common benign variant in these populations. Additionally, the c.898-1 G>A splice variant affecting the same splice acceptor site has been reported in the Human Gene Mutation Database in association with X-linked chronic granulomatous disease (CGD) (Stenson et al., 2014). Although the c.898-2 A>C pathogenic variant has not been previously reported to our knowledge, its presence is consistent with the diagnosis of X-linked CGD.